The following is an entry in ClinVar:

ClinVar aggregate classification (germline): Uncertain significance. Review status: criteria provided, multiple submitters, no conflicts (2 of 4 stars). 2 submissions from 2 submitters: Uncertain significance (2). Last evaluated 2023-07-12.

Conditions:
Inborn genetic diseases. Identifiers: MedGen C0950123, MeSH D030342.

Allele frequency attached by ClinVar (database versions not stated): ExAC 0.00002; gnomAD 0.00002; TOPMed 0.00002; gnomAD exomes 0.00003.
gnomAD v4.1: 45 of 1,614,034 alleles (0.0028%); highest among the groups gnomAD compares: Non-Finnish European, 0.0038%; no homozygotes.

Submissions (2):

Ambry Genetics
Classification: Uncertain significance for Inborn genetic diseases. Last evaluated: 2023-07-12. Review status: criteria provided, single submitter. Criteria: Ambry Variant Classification Scheme 2023. Collection method: clinical testing. Allele origin: germline.

Labcorp Genetics (formerly Invitae), Labcorp
Classification: Uncertain significance. Last evaluated: 2022-10-03. Review status: criteria provided, single submitter. Criteria: Invitae Variant Classification Sherloc (09022015). Collection method: clinical testing. Allele origin: germline.
Comment: In summary, the available evidence is currently insufficient to determine the role of this variant in disease. Therefore, it has been classified as a Variant of Uncertain Significance. Advanced modeling of protein sequence and biophysical properties (such as structural, functional, and spatial information, amino acid conservation, physicochemical variation, residue mobility, and thermodynamic stability) performed at Invitae indicates that this missense variant is not expected to disrupt KCNQ5 protein function. This variant has not been reported in the literature in individuals affected with KCNQ5-related conditions. This variant is present in population databases (rs750348449, gnomAD 0.004%). This sequence change replaces cysteine, which is neutral and slightly polar, with tyrosine, which is neutral and polar, at codon 934 of the KCNQ5 protein (p.Cys934Tyr).

NM_019842.4(KCNQ5):c.2744G>A (p.Cys915Tyr)

Gene: KCNQ5 (potassium voltage-gated channel subfamily Q member 5; plus strand). Cytogenetic location: 6q13.
Variant type: single nucleotide variant.
Coding change: c.2744G>A on transcript NM_019842.4 (MANE Select); coding-DNA position 2744, G replaced by A.
Protein change: p.Cys915Tyr; replaces cysteine 915 with tyrosine.
Molecular consequence: missense variant.
Genome position (GRCh38, 1-based): chr6:73,195,359, G>A. VCF-style: chr6-73195359-G-A. GRCh37 (hg19) VCF-style: chr6-73905082-G-A.
Other names: c.2717G>A, p.Cys906Tyr (NM_001160130.2); c.2774G>A, p.Cys925Tyr (NM_001160132.2); c.2801G>A, p.Cys934Tyr (NM_001160133.2); c.2414G>A, p.Cys805Tyr (NM_001160134.2); c.2801G>A (NM_001160133.1); short protein forms C805Y, C925Y, C934Y, C906Y, C915Y.
Identifiers: ClinVar variation 1918077 (VCV001918077.7), dbSNP rs750348449, ClinGen allele CA3887324.